The following is an entry in ClinVar:

NM_005629.4(SLC6A8):c.1601TCTTCA[1] (p.534IF[1])

Gene: SLC6A8 (solute carrier family 6 member 8; plus strand). Cytogenetic location: Xq28.
Variant type: Microsatellite.
Coding change: c.1601TCTTCA[1] on transcript NM_005629.4 (MANE Select); one copy of the 6-base unit TCTTCA starting at c.1601; the reference has two copies in a row; one copy, 6 bases deleted.
Protein change: p.534IF[1].
Molecular consequence: inframe deletion.
Genome position (GRCh38, 1-based): chrX:153,694,729-153,694,734, TCTTCA deleted; deleting any 6 consecutive bases within chrX:153,694,721-153,694,734 gives the same sequence; the position shown is the placement nearest the transcript's 3' end. VCF-style (leftmost placement, unchanged base first): chrX-153694720-GCATCTT-G. GRCh37 (hg19) VCF-style: chrX-152960175-GCATCTT-G.
Other names: NM_001142805.2:c.1577_1582del; c.1571TCTTCA[1], p.524IF[1] (NM_001142805.2); c.1256TCTTCA[1], p.419IF[1] (NM_001142806.1).
Identifiers: ClinVar variation 3256155 (VCV003256155.1).

ClinVar aggregate classification (germline): Uncertain significance (3 of 4 stars; one submission).

Conditions:
Creatine transporter deficiency (CCDS1). Also called: CEREBRAL CREATINE DEFICIENCY SYNDROME 1; Mental retardation , X-linked with seizures, short stature and midface hypoplasia; Mental retardation , X-linked, with creatine transport deficiency; X-linked creatine transporter deficiency; X-linked creatine deficiency syndrome; SLC6A8-Related Creatine Transporter Deficiency. Identifiers: Orphanet 52503, MedGen C1845862, MONDO:0010305, OMIM 300352.

Submission:

ClinGen Cerebral Creatine Deficiency Syndromes Variant Curation Expert Panel, ClinGen
Classification: Uncertain significance for Creatine transporter deficiency. Last evaluated: 2024-04-11. Review status: reviewed by expert panel. Criteria: ClinGen_CCDS_ACMG_Specifications_SLC6A8_v1.1. Collection method: curation. Allele origin: germline. Inheritance: X-linked inheritance.
Comment: The NM_005629.4(SLC6A8):c.1607_1612del variant in SLC6A8 is a deletion of 6 nucleotides within exon 12/13 of the SLC6A8 gene and is predicted to lead to an in-frame deletion of 2 amino acids (p.Ile536_Phe537del) (PM4). This variant has been previously reported (PMID: 22281021); however, no data, including zygosity and/or phenotypic features, regarding the individual/s with this variant is provided. The variant is absent in gnomAD v2.1.1. (PM2_Supporting). There is no ClinVar entry for this variant In summary, this variant meets criteria to be classified as a variant of uncertain significance for creatine transporter deficiency. SLC6A8-specific criteria applied, as specified by the ClinGen CCDS VCEP (Specifications Version 1.1.0): PM4, PM2_Supporting. (Classification approved by the ClinGen CCDS VCEP on April 11, 2024)